The following is an entry in ClinVar:

NM_058216.3(RAD51C):c.851A>G (p.Asn284Ser)

Gene: RAD51C (RAD51 paralog C; plus strand). Cytogenetic location: 17q22.
Variant type: single nucleotide variant.
Coding change: c.851A>G on transcript NM_058216.3 (MANE Select); coding-DNA position 851, A replaced by G.
Protein change: p.Asn284Ser; replaces asparagine 284 with serine.
Molecular consequence: missense variant. On other transcripts: non-coding transcript variant (1).
Genome position (GRCh38, 1-based): chr17:58,720,759, A>G. VCF-style: chr17-58720759-A-G. GRCh37 (hg19) VCF-style: chr17-56798120-A-G.
Other names: short protein forms N284S.
Identifiers: ClinVar variation 577382 (VCV000577382.11), dbSNP rs1555602095, ClinGen allele CA400359390.

ClinVar aggregate classification (germline): Uncertain significance. Review status: criteria provided, multiple submitters, no conflicts (2 of 4 stars). 2 submissions from 2 submitters: Uncertain significance (2). Last evaluated 2021-05-03.

Conditions:
Fanconi anemia complementation group O. Also called: RAD51C-Related Fanconi Anemia. Identifiers: Orphanet 84, MedGen C3150653, MONDO:0013248, OMIM 613390.
Hereditary cancer-predisposing syndrome. Also called: Hereditary neoplastic syndrome; Tumor predisposition; Hereditary Cancer Syndrome; Neoplastic Syndromes, Hereditary. Identifiers: Orphanet 140162, MedGen C0027672, MeSH D009386, MONDO:0015356.

Submissions (2):

Ambry Genetics
Classification: Uncertain significance for Hereditary cancer-predisposing syndrome. Last evaluated: 2021-05-03. Review status: criteria provided, single submitter. Criteria: Ambry Variant Classification Scheme 2023. Collection method: clinical testing. Allele origin: germline.
Comment: The p.N284S variant (also known as c.851A>G), located in coding exon 6 of the RAD51C gene, results from an A to G substitution at nucleotide position 851. The asparagine at codon 284 is replaced by serine, an amino acid with highly similar properties. This amino acid position is highly conserved in available vertebrate species. In addition, this alteration is predicted to be tolerated by in silico analysis. Since supporting evidence is limited at this time, the clinical significance of this alteration remains unclear.

Labcorp Genetics (formerly Invitae), Labcorp
Classification: Uncertain significance for Fanconi anemia complementation group O. Last evaluated: 2018-05-02. Review status: criteria provided, single submitter. Criteria: Invitae Variant Classification Sherloc (09022015). Collection method: clinical testing. Allele origin: germline.
Comment: In summary, the available evidence is currently insufficient to determine the role of this variant in disease. Therefore, it has been classified as a Variant of Uncertain Significance. Algorithms developed to predict the effect of sequence changes on RNA splicing suggest that this variant may create or strengthen a splice site, but this prediction has not been confirmed by published transcriptional studies. Algorithms developed to predict the effect of missense changes on protein structure and function (SIFT, PolyPhen-2, Align-GVGD) all suggest that this variant is likely to be disruptive, but these predictions have not been confirmed by published functional studies and their clinical significance is uncertain. This variant has not been reported in the literature in individuals with RAD51C-related disease. This variant is not present in population databases (ExAC no frequency). This sequence change replaces asparagine with serine at codon 284 of the RAD51C protein (p.Asn284Ser). The asparagine residue is highly conserved and there is a small physicochemical difference between asparagine and serine.